The following is an entry in ClinVar:

ClinVar aggregate classification (germline): Benign. Review status: criteria provided, multiple submitters, no conflicts (2 of 4 stars). 3 submissions from 3 submitters: Benign (3). Last evaluated 2018-01-13.

Conditions:
Pyruvate dehydrogenase E3-binding protein deficiency (PDHXD). Also called: E3-Binding Protein (Component X) Deficiency; LACTIC ACIDEMIA DUE TO DEFECT IN LIPOYL-CONTAINING COMPONENT X OF THE PYRUVATE DEHYDROGENASE COMPLEX; Lacticacidemia due to PDX1 deficiency; PYRUVATE HYDROGENASE E3-BINDING PROTEIN DEFICIENCY. Identifiers: Orphanet 255182, MedGen C1855553, MONDO:0009503, OMIM 245349.

Allele frequency attached by ClinVar (database versions not stated): 1000 Genomes Project 30x 0.42270; 1000 Genomes Project 0.43470; ESP Exome Variant Server 0.33231; TOPMed 0.34620.
gnomAD v4.1: 581,491 of 1,599,314 alleles (36%); highest among the groups gnomAD compares: East Asian, 73%; 110,744 homozygotes.

Submissions (3):

Illumina Laboratory Services, Illumina
Classification: Benign for Pyruvate dehydrogenase E3-binding protein deficiency. Last evaluated: 2018-01-13. Review status: criteria provided, single submitter. Criteria: ICSL Variant Classification Criteria 13 December 2019. Collection method: clinical testing. Allele origin: germline.
Comment: This variant was observed in the ICSL laboratory as part of a predisposition screen in an ostensibly healthy population. It had not been previously curated by ICSL or reported in the Human Gene Mutation Database (HGMD: prior to June 1st, 2018), and was therefore a candidate for classification through an automated scoring system. Utilizing variant allele frequency, disease prevalence and penetrance estimates, and inheritance mode, an automated score was calculated to assess if this variant is too frequent to cause the disease. Based on the score and internal cut-off values, a variant classified as benign is not then subjected to further curation. The score for this variant resulted in a classification of benign for this disease.

GeneDx
Classification: Benign. Last evaluated: 2015-03-03. Review status: criteria provided, single submitter. Criteria: GeneDx Variant Classification Process June 2021. Collection method: clinical testing. Allele origin: germline. Affected: yes.

Breakthrough Genomics
Classification: Benign. Review status: criteria provided, single submitter. Criteria: ACMG Guidelines, 2015. Collection method: not provided. Allele origin: germline. Inheritance: Unknown mechanism. Affected: yes.

NM_003477.2(PDHX):c.-319G>A

Genes: APIP (APAF1 interacting protein; minus strand), PDHX (pyruvate dehydrogenase complex component X; plus strand), LOC130005547 (ATAC-STARR-seq lymphoblastoid silent region 3253; plus strand). Cytogenetic location: 11p13.
Variant type: single nucleotide variant.
Coding change: c.-319G>A on transcript NM_003477.2; 319 bases upstream of the start codon, G replaced by A.
Molecular consequence: 5 prime UTR variant (on NM_015957.4).
Genome position (GRCh38, 1-based): chr11:34,916,337, G>A. VCF-style: chr11-34916337-G-A. GRCh37 (hg19) VCF-style: chr11-34937884-G-A.
Other names: c.-53C>T (NM_015957.4).
Identifiers: ClinVar variation 304449 (VCV000304449.10), dbSNP rs2956113, ClinGen allele CA5945644.